The following is an entry in ClinVar:

ClinVar aggregate classification (germline): Likely pathogenic (1 of 4 stars; one submission).

Conditions:
Autosomal recessive polycystic kidney disease (ARPKD). Also called: AR polycystic kidney disease. Identifiers: Orphanet 731, Orphanet 8378, MedGen C0085548, MeSH D017044, MONDO:0009889.

Submission:

Labcorp Genetics (formerly Invitae), Labcorp
Classification: Likely pathogenic for Autosomal recessive polycystic kidney disease. Last evaluated: 2022-08-04. Review status: criteria provided, single submitter. Criteria: Invitae Variant Classification Sherloc (09022015). Collection method: clinical testing. Allele origin: germline.
Comment: This variant results in a copy number gain of the genomic region encompassing exon(s) 15-21 of the PKHD1 gene. While the exact position of this variant cannot be determined from the data, sub-genic copy number gains are generally in tandem (PMID: 25640679). This variant is predicted to be out-of-frame, and may result in an absent or disrupted protein product. Loss-of-function variants in PKHD1 are known to be pathogenic (PMID: 19940839). This variant has not been reported in the literature in individuals affected with PKHD1-related conditions. In summary, the currently available evidence indicates that the variant is pathogenic, but additional data are needed to prove that conclusively. Therefore, this variant has been classified as Likely Pathogenic.

Literature cited by the submitters: PubMed 25640679; PubMed 19940839.

NC_000006.11:g.(?_51917864)_(51924850_?)dup

Gene: PKHD1 (PKHD1 ciliary IPT domain containing fibrocystin/polyductin; minus strand). Cytogenetic location: 6p12.2.
Variant type: Duplication.
Identifiers: ClinVar variation 1067570 (VCV001067570.6).